The following is an entry in ClinVar:

NM_001267550.2(TTN):c.96796T>C (p.Ser32266Pro)

Genes: TTN (titin; minus strand), TTN-AS1 (TTN antisense RNA 1; plus strand), LOC126806421 (CDK7 strongly-dependent group 2 enhancer GRCh37_chr2:179407630-179408829; plus strand). Cytogenetic location: 2q31.2.
Variant type: single nucleotide variant.
Coding change: c.96796T>C on transcript NM_001267550.2 (MANE Select); coding-DNA position 96796, T replaced by C.
Protein change: p.Ser32266Pro; replaces serine 32266 with proline.
Molecular consequence: missense variant.
Genome position (GRCh38, 1-based): chr2:178,543,177, A>G on the plus strand (T>C on the coding strand, the complement: TTN is on the minus strand). VCF-style: chr2-178543177-A-G. GRCh37 (hg19) VCF-style: chr2-179407904-A-G.
Other names: c.91873T>C, p.Ser30625Pro (NM_001256850.1); c.69601T>C, p.Ser23201Pro (NM_003319.4); c.89092T>C, p.Ser29698Pro (NM_133378.4); c.69976T>C, p.Ser23326Pro (NM_133432.3); c.70177T>C, p.Ser23393Pro (NM_133437.4); c.96796T>C (NM_001267550.1); short protein forms S32266P, S29698P, S23326P, S23201P, S23393P, S30625P.
Identifiers: ClinVar variation 596374 (VCV000596374.11), dbSNP rs933521240, ClinGen allele CA60969736.

ClinVar aggregate classification (germline): Uncertain significance. Review status: criteria provided, multiple submitters, no conflicts (2 of 4 stars). 4 submissions from 4 submitters: Uncertain significance (4). Last evaluated 2026-09-09.

Conditions:
TTN-related disorder. Also called: TTN-related condition; TTN-related disease; TTN-related disorders.

Allele frequency attached by ClinVar (database versions not stated): gnomAD exomes below 0.00001 and 0.00001; TOPMed 0.00002; gnomAD 0.00003.
gnomAD v4.1: 8 of 1,613,342 alleles (0.0005%); highest among the groups gnomAD compares: Non-Finnish European, 0.00068%; no homozygotes.

Submissions (4):

PreventionGenetics, part of Exact Sciences
Classification: Uncertain significance for TTN-related condition. Last evaluated: 2026-09-09. Review status: criteria provided, single submitter. Criteria: ACMG Guidelines, 2015. Collection method: clinical testing. Allele origin: germline.
Comment: The TTN c.96796T>C variant is predicted to result in the amino acid substitution p.Ser32266Pro. To our knowledge, this variant has not been reported in the literature. This variant is reported in 0.0018% of alleles in individuals of European (Non-Finnish) descent in gnomAD. At this time, the clinical significance of this variant is uncertain due to the absence of conclusive functional and genetic evidence.

Women's Health and Genetics/Laboratory Corporation of America, LabCorp
Classification: Uncertain significance. Last evaluated: 2025-03-28. Review status: criteria provided, single submitter. Criteria: LabCorp Variant Classification Summary - May 2015. Collection method: clinical testing. Allele origin: germline.

GeneDx
Classification: Uncertain significance. Last evaluated: 2022-10-28. Review status: criteria provided, single submitter. Criteria: GeneDx Variant Classification Process June 2021. Collection method: clinical testing. Allele origin: germline. Affected: yes.
Comment: Not observed at significant frequency in large population cohorts (gnomAD); Missense variant in a gene in which most reported pathogenic variants are truncating/loss of function; Has not been previously published as pathogenic or benign to our knowledge

Eurofins Ntd Llc (ga)
Classification: Uncertain significance. Last evaluated: 2018-03-27. Review status: criteria provided, single submitter. Criteria: EGL ClinVar v180209 classification definitions. Collection method: clinical testing. Allele origin: germline. Observed: 1 variant allele, 1 heterozygote.